The following is an entry in ClinVar:

ClinVar aggregate classification (germline): Pathogenic. Review status: criteria provided, multiple submitters, no conflicts (2 of 4 stars). 5 submissions from 5 submitters: Pathogenic (4). 1 of the submissions does not count toward it. Last evaluated 2025-10-23.

Conditions:
Cardiovascular phenotype. Identifiers: MedGen CN230736.
Telangiectasia, hereditary hemorrhagic, type 2 (HHT2). Also called: Telangiectasia, hereditary hemorrhagic, type II; ACVRL1-Related Hereditary Hemorrhagic Telangiectasia. Identifiers: Orphanet 774, MedGen C1838163, MONDO:0010880, OMIM 600376. Disease mechanism: loss of function.

Submissions (5):

Labcorp Genetics (formerly Invitae), Labcorp
Classification: Pathogenic for Telangiectasia, hereditary hemorrhagic, type 2. Last evaluated: 2025-10-23. Review status: criteria provided, single submitter. Criteria: Invitae Variant Classification Sherloc (09022015). Collection method: clinical testing. Allele origin: germline.
Comment: This sequence change replaces cysteine, which is neutral and slightly polar, with arginine, which is basic and polar, at codon 69 of the ACVRL1 protein (p.Cys69Arg). This variant is not present in population databases (gnomAD no frequency). This missense change has been observed in individuals with ACVRL1-related conditions (PMID: 16525724, 35346192). ClinVar contains an entry for this variant (Variation ID: 1330268). Invitae Evidence Modeling of protein sequence and biophysical properties (such as structural, functional, and spatial information, amino acid conservation, physicochemical variation, residue mobility, and thermodynamic stability) indicates that this missense variant is expected to disrupt ACVRL1 protein function with a positive predictive value of 95%. This variant affects a cysteine residue located within the ACVRL1 protein ectodomain. Cysteine residues in this domain of ACVRL1 are involved in the formation of disulfide bridges critical for protein structure and stability (PMID: 22028876, 22718755, 22799562). In addition, missense substitutions within the ACVRL1 ectodomain affecting cysteine residues are overrepresented in patients with HHT (PMID: 20501893, 26176610 and an online resource). This variant disrupts the p.Cys69 amino acid residue in ACVRL1. Other variant(s) that disrupt this residue have been determined to be pathogenic (PMID: 21158752; internal data). This suggests that this residue is clinically significant, and that variants that disrupt this residue are likely to be disease-causing. For these reasons, this variant has been classified as Pathogenic.

Mayo Clinic Laboratories, Mayo Clinic
Classification: Pathogenic. Last evaluated: 2025-08-04. Review status: criteria provided, single submitter. Criteria: ACMG Guidelines, 2015. Collection method: clinical testing. Allele origin: germline. Observed: 1 variant allele.
Comment: PP3, PP4_moderate, PM2_supporting, PM5_strong, PS4_supporting

MVZ Martinsried, Medicover Genetics
Classification: Pathogenic for Telangiectasia, hereditary hemorrhagic, type 2. Last evaluated: 2021-07-13. Review status: criteria provided, single submitter. Criteria: ACGS Guidelines, 2020. Collection method: clinical testing. Allele origin: unknown. Affected: yes.

Ambry Genetics
Classification: Pathogenic for Cardiovascular phenotype. Last evaluated: 2019-03-20. Review status: criteria provided, single submitter. Criteria: Ambry Variant Classification Scheme 2023. Collection method: clinical testing. Allele origin: germline.
Comment: The p.C69R pathogenic mutation (also known as c.205T>C), located in coding exon 2 of the ACVRL1 gene, results from a T to C substitution at nucleotide position 205. The cysteine at codon 69 is replaced by arginine, an amino acid with highly dissimilar properties. This mutation was first reported in an individual with epistaxis, telangiectasias, and a family history of hereditary hemorrhagic telangiectasia (HHT) (Argyriou L et al. Int J Mol Med. 2006;17(4):655-9). Bioinformatic analysis of this alteration found it is involved in a disulfide bond and predicted this mutation to have a destabilizing effect on the protein (Scotti C et al. PLoS ONE. 2011;6(10):e26431). Two additional likely pathogenic variants at the same codon, p.C69Y and p.C69F, have been reported in the literature in individuals with symptoms of HHT (McDonald J et al. Clin Genet. 2011;79(4):335-344; Lesca G et al. Hum Mutat. 2006;27(6):598). Based on the supporting evidence, p.C69R is interpreted as a disease-causing mutation.

GeneDx
Classification: Uncertain significance. Last evaluated: 2024-04-15. Review status: flagged submission. Criteria: GeneDx Variant Classification Process June 2021. Collection method: clinical testing. Allele origin: germline. Affected: yes. Not counted in ClinVar's aggregate classification.
Comment: Not observed at significant frequency in large population cohorts (gnomAD); In silico analysis supports that this missense variant has a deleterious effect on protein structure/function; This variant is associated with the following publications: (PMID: 22028876, 16525724, 35346192)
ClinVar note: Reason: Outlier claim with insufficient supporting evidence

Literature cited by the submitters: PubMed 16525724 (cited by 3 submitters); PubMed 35346192 (cited by Labcorp Genetics (formerly Invitae), Labcorp and Mayo Clinic Laboratories, Mayo Clinic); PubMed 22028876 (cited by 3 submitters); PubMed 22718755 (cited by Labcorp Genetics (formerly Invitae), Labcorp); PubMed 22799562 (cited by Labcorp Genetics (formerly Invitae), Labcorp); PubMed 20501893 (cited by Labcorp Genetics (formerly Invitae), Labcorp); PubMed 26176610 (cited by Labcorp Genetics (formerly Invitae), Labcorp); PubMed 21158752 (cited by Labcorp Genetics (formerly Invitae), Labcorp).

NM_000020.3(ACVRL1):c.205T>C (p.Cys69Arg)

Gene: ACVRL1 (activin A receptor like type 1; plus strand). Cytogenetic location: 12q13.13.
Variant type: single nucleotide variant.
Coding change: c.205T>C on transcript NM_000020.3 (MANE Select); coding-DNA position 205, T replaced by C.
Protein change: p.Cys69Arg; replaces cysteine 69 with arginine.
Molecular consequence: missense variant.
Genome position (GRCh38, 1-based): chr12:51,913,242, T>C. VCF-style: chr12-51913242-T-C. GRCh37 (hg19) VCF-style: chr12-52307026-T-C.
Other names: p.Cys69Arg; c.205T>C, p.Cys69Arg (NM_001077401.2); c.205T>C (NM_000020.2); short protein forms C69R.
Identifiers: ClinVar variation 1330268 (VCV001330268.7), dbSNP rs2139065261, ClinGen allele CA384897896.